The following is an entry in ClinVar:

ClinVar aggregate classification (germline): Pathogenic (1 of 4 stars; one submission).

Conditions:
Optic neuropathy. Also called: Optic nerve disorder. Identifiers: MedGen C3887709, MONDO:0002135, HP:0001138.

Submission:

Genetics Laboratory, Great Ormond Street Hospital NHS Foundation Trust, North Thames Genomic Laboratory Hub
Classification: Pathogenic for Optic neuropathy. Last evaluated: 2025-09-17. Review status: criteria provided, single submitter. Criteria: ACGS Best Practice Guidelines for Variant Classification in Rare Disease 2024 v1.2. Collection method: clinical testing. Allele origin: germline. Affected: yes.
Comment: PM2_moderate, PVS1_very-strong

NM_004181.5(UCHL1):c.360_361dup (p.Thr121fs)

Gene: UCHL1 (ubiquitin C-terminal hydrolase L1; plus strand). Cytogenetic location: 4p13.
Variant type: Duplication.
Coding change: c.360_361dup on transcript NM_004181.5 (MANE Select); coding-DNA positions 360 to 361, 2 bases duplicated (AA; older notation c.360_361dupAA).
Protein change: p.Thr121fs; shifts the reading frame from threonine 121.
Molecular consequence: frameshift variant.
Genome position (GRCh38, 1-based): chr4:41,261,749-41,261,750, AA duplicated; duplicating any 2 consecutive bases within chr4:41,261,748-41,261,750 gives the same sequence; the c. name uses the placement nearest the transcript's 3' end. VCF-style (leftmost placement, unchanged base first): chr4-41261747-G-GAA. GRCh37 (hg19) VCF-style: chr4-41263764-G-GAA.
Other names: short protein forms T121fs.
Identifiers: ClinVar variation 4528900 (VCV004528900.1).